The following is an entry in ClinVar:

NM_001114753.3(ENG):c.556G>A (p.Ala186Thr)

Gene: ENG (endoglin; minus strand). Cytogenetic location: 9q34.11.
Variant type: single nucleotide variant.
Coding change: c.556G>A on transcript NM_001114753.3 (MANE Select); coding-DNA position 556, G replaced by A.
Protein change: p.Ala186Thr; replaces alanine 186 with threonine.
Molecular consequence: missense variant.
Genome position (GRCh38, 1-based): chr9:127,825,828, C>T on the plus strand (G>A on the coding strand, the complement: ENG is on the minus strand). VCF-style: chr9-127825828-C-T. GRCh37 (hg19) VCF-style: chr9-130588107-C-T.
Other names: c.556G>A, p.Ala186Thr (NM_000118.4, NM_001406715.1); c.10G>A, p.Ala4Thr (NM_001278138.2); short protein forms A4T, A186T.
Identifiers: ClinVar variation 1038416 (VCV001038416.10), dbSNP rs1427261977, ClinGen allele CA374983739.

ClinVar aggregate classification (germline): Uncertain significance (1 of 4 stars; one submission).

Conditions:
Hereditary hemorrhagic telangiectasia (HHT). Also called: Osler hemorrhagic telangiectasia syndrome; ORW DISEASE; Osler Weber Rendu syndrome; OSLER-RENDU-WEBER DISEASE. Identifiers: Orphanet 774, MedGen C0039445, MONDO:0019180. Disease mechanism: loss of function.

gnomAD v4.1: 2 of 1,597,856 alleles (0.00013%); no homozygotes.

Submission:

Labcorp Genetics (formerly Invitae), Labcorp
Classification: Uncertain significance for Hereditary hemorrhagic telangiectasia. Last evaluated: 2021-05-09. Review status: criteria provided, single submitter. Criteria: Invitae Variant Classification Sherloc (09022015). Collection method: clinical testing. Allele origin: germline.
Comment: This variant has not been reported in the literature in individuals with ENG-related conditions. In summary, the available evidence is currently insufficient to determine the role of this variant in disease. Therefore, it has been classified as a Variant of Uncertain Significance. Advanced modeling of protein sequence and biophysical properties (such as structural, functional, and spatial information, amino acid conservation, physicochemical variation, residue mobility, and thermodynamic stability) performed at Invitae indicates that this missense variant is not expected to disrupt ENG protein function. This variant is not present in population databases (ExAC no frequency). This sequence change replaces alanine with threonine at codon 186 of the ENG protein (p.Ala186Thr). The alanine residue is weakly conserved and there is a small physicochemical difference between alanine and threonine.